The following is an entry in ClinVar:

ClinVar aggregate classification (germline): Uncertain significance (1 of 4 stars; one submission).

Conditions:
Ehlers-Danlos syndrome, classic type, 1 (EDSCL1). Also called: EHLERS-DANLOS SYNDROME, GRAVIS TYPE; EHLERS-DANLOS SYNDROME, SEVERE CLASSIC TYPE; Ehlers-Danlos syndrome, type 1; Ehlers-Danlos Syndrome, Classic Type, COL5A1-Related; EDS I. Identifiers: MedGen C0268335, MONDO:0019567, OMIM 130000.

Submission:

Labcorp Genetics (formerly Invitae), Labcorp
Classification: Uncertain significance for Ehlers-Danlos syndrome, classic type, 1. Last evaluated: 2024-11-05. Review status: criteria provided, single submitter. Criteria: Invitae Variant Classification Sherloc (09022015). Collection method: clinical testing. Allele origin: germline.
Comment: This sequence change replaces glycine, which is neutral and non-polar, with arginine, which is basic and polar, at codon 859 of the COL5A1 protein (p.Gly859Arg). This variant is not present in population databases (gnomAD no frequency). This variant has not been reported in the literature in individuals affected with COL5A1-related conditions. Invitae Evidence Modeling of protein sequence and biophysical properties (such as structural, functional, and spatial information, amino acid conservation, physicochemical variation, residue mobility, and thermodynamic stability) indicates that this missense variant is expected to disrupt COL5A1 protein function with a positive predictive value of 95%. This variant disrupts the triple helix domain of COL5A1. Glycine residues within the Gly-Xaa-Yaa repeats of the triple helix domain are required for the structure and stability of fibrillar collagens (PMID: 7695699, 8218237, 19344236), and variants at these glycine residues in COL5A1 are more frequently observed in individuals with disease than in the general population (PMID: 22696272, 23587214). However, the clinical significance of this observation remains uncertain since only a limited number of affected individuals have been described to date. In summary, the available evidence is currently insufficient to determine the role of this variant in disease. Therefore, it has been classified as a Variant of Uncertain Significance.

Literature cited by the submitters: PubMed 7695699; PubMed 8218237; PubMed 19344236; PubMed 22696272; PubMed 23587214.

NM_000093.5(COL5A1):c.2575G>A (p.Gly859Arg)

Gene: COL5A1 (collagen type V alpha 1 chain; plus strand). Cytogenetic location: 9q34.3.
Variant type: single nucleotide variant.
Coding change: c.2575G>A on transcript NM_000093.5 (MANE Select); coding-DNA position 2575, G replaced by A.
Protein change: p.Gly859Arg; replaces glycine 859 with arginine.
Molecular consequence: missense variant.
Genome position (GRCh38, 1-based): chr9:134,785,079, G>A. VCF-style: chr9-134785079-G-A. GRCh37 (hg19) VCF-style: chr9-137676925-G-A.
Other names: c.2575G>A, p.Gly859Arg (NM_001278074.1); short protein forms G859R.
Identifiers: ClinVar variation 3719631 (VCV003719631.2).
Genomic context (GRCh38, chr9:134,785,079, plus strand): 5'-GAAGATGGCCCTGAAGGCCCAAAGGGTCGCGGAGGTCCCAATGGTGACCCCGGTCCTCTG[G>A]GACCCCCTGGGGAGAAGGTTTGTGATGTGGGACGTTCAGCCACTTTCTTGGGAGGGATCT-3'
Protein context (NP_000084.3, residues 849-869): GGPNGDPGPL[Gly859Arg]PPGEKGKLGV